The following is an entry in ClinVar:

NM_015702.3(MMADHC):c.245G>A (p.Cys82Tyr)

Gene: MMADHC (metabolism of cobalamin associated D; minus strand). Cytogenetic location: 2q23.2.
Variant type: single nucleotide variant.
Coding change: c.245G>A on transcript NM_015702.3 (MANE Select); coding-DNA position 245, G replaced by A.
Protein change: p.Cys82Tyr; replaces cysteine 82 with tyrosine.
Molecular consequence: missense variant.
Genome position (GRCh38, 1-based): chr2:149,579,558, C>T on the plus strand (G>A on the coding strand, the complement: MMADHC is on the minus strand). VCF-style: chr2-149579558-C-T. GRCh37 (hg19) VCF-style: chr2-150436072-C-T.
Other names: c.245G>A (NM_015702.2); short protein forms C82Y.
Identifiers: ClinVar variation 2201932 (VCV002201932.2), dbSNP rs368471008, ClinGen allele CA1902459.

ClinVar aggregate classification (germline): Uncertain significance. Review status: criteria provided, multiple submitters, no conflicts (2 of 4 stars). 2 submissions from 2 submitters: Uncertain significance (2). Last evaluated 2025-01-01.

Conditions:
Inborn genetic diseases. Identifiers: MedGen C0950123, MeSH D030342.
Methylmalonic aciduria and homocystinuria type cblD (MAHCD). Also called: METHYLMALONIC ACIDEMIA, cblH TYPE; Methylmalonic aciduria with homocystinuria cblD type. Identifiers: Orphanet 622, Orphanet 79283, MedGen C1848552, MONDO:0010185, OMIM 277410.

Allele frequency attached by ClinVar (database versions not stated): TOPMed below 0.00001; gnomAD exomes 0.00001; ExAC 0.00002.

Submissions (2):

Ambry Genetics
Classification: Uncertain significance for Inborn genetic diseases. Last evaluated: 2025-01-01. Review status: criteria provided, single submitter. Criteria: Ambry Variant Classification Scheme 2023. Collection method: clinical testing. Allele origin: germline.

Labcorp Genetics (formerly Invitae), Labcorp
Classification: Uncertain significance for Methylmalonic aciduria and homocystinuria type cblD. Last evaluated: 2022-05-05. Review status: criteria provided, single submitter. Criteria: Invitae Variant Classification Sherloc (09022015). Collection method: clinical testing. Allele origin: germline.
Comment: This sequence change replaces cysteine, which is neutral and slightly polar, with tyrosine, which is neutral and polar, at codon 82 of the MMADHC protein (p.Cys82Tyr). This variant is present in population databases (rs368471008, gnomAD 0.01%). This variant has not been reported in the literature in individuals affected with MMADHC-related conditions. Algorithms developed to predict the effect of missense changes on protein structure and function are either unavailable or do not agree on the potential impact of this missense change (SIFT: "Tolerated"; PolyPhen-2: "Possibly Damaging"; Align-GVGD: "Class C0"). In summary, the available evidence is currently insufficient to determine the role of this variant in disease. Therefore, it has been classified as a Variant of Uncertain Significance.